The following is an entry in ClinVar:

NM_001005373.4(LRSAM1):c.44G>A (p.Arg15Gln)

Gene: LRSAM1 (leucine rich repeat and sterile alpha motif containing 1; plus strand). Cytogenetic location: 9q33.3.
Variant type: single nucleotide variant.
Coding change: c.44G>A on transcript NM_001005373.4 (MANE Select); coding-DNA position 44, G replaced by A.
Protein change: p.Arg15Gln; replaces arginine 15 with glutamine.
Molecular consequence: missense variant. On other transcripts: 5 prime UTR variant (1), non-coding transcript variant (2).
Genome position (GRCh38, 1-based): chr9:127,454,571, G>A. VCF-style: chr9-127454571-G-A. GRCh37 (hg19) VCF-style: chr9-130216850-G-A.
Other names: c.44G>A (NM_138361.4); c.44G>A, p.Arg15Gln (NM_001005374.4, NM_001190723.3, NM_001384142.1 and 2 more transcripts); c.-741G>A (NM_001384144.1); short protein forms R15Q.
Identifiers: ClinVar variation 653481 (VCV000653481.9), dbSNP rs368646898, ClinGen allele CA5246353.

ClinVar aggregate classification (germline): Uncertain significance. Review status: criteria provided, multiple submitters, no conflicts (2 of 4 stars). 3 submissions from 3 submitters: Uncertain significance (3). Last evaluated 2025-07-02.

Conditions:
LRSAM1-related disorder. Also called: LRSAM1-related condition.
Inborn genetic diseases. Identifiers: MedGen C0950123, MeSH D030342.
Charcot-Marie-Tooth disease axonal type 2P. Also called: Charcot-Marie-Tooth Neuropathy Type 2G; CHARCOT-MARIE-TOOTH NEUROPATHY, TYPE 2P; CHARCOT-MARIE-TOOTH DISEASE, AXONAL, TYPE 2G; CMT 2G. Identifiers: Orphanet 300319, Orphanet 99941, MedGen C3280797, MONDO:0013753, OMIM 614436.

Allele frequency attached by ClinVar (database versions not stated): gnomAD exomes 0.00002 and 0.00004; gnomAD 0.00004; TOPMed 0.00004; ExAC 0.00007; ESP Exome Variant Server 0.00015.
gnomAD v4.1: 39 of 1,613,952 alleles (0.0024%); highest among the groups gnomAD compares: Non-Finnish European, 0.0031%; no homozygotes.

Submissions (3):

Ambry Genetics
Classification: Uncertain significance for Inborn genetic diseases. Last evaluated: 2025-07-02. Review status: criteria provided, single submitter. Criteria: Ambry Variant Classification Scheme 2023. Collection method: clinical testing. Allele origin: germline.

PreventionGenetics, part of Exact Sciences
Classification: Uncertain significance for LRSAM1-related condition. Last evaluated: 2025-04-10. Review status: criteria provided, single submitter. Criteria: ACMG Guidelines, 2015. Collection method: clinical testing. Allele origin: germline.
Comment: The LRSAM1 c.44G>A variant is predicted to result in the amino acid substitution p.Arg15Gln. To our knowledge, this variant has not been reported in the literature. This variant is reported in 0.011% of alleles in individuals of East Asian descent in gnomAD. At this time, the clinical significance of this variant is uncertain due to the absence of conclusive functional and genetic evidence.

Labcorp Genetics (formerly Invitae), Labcorp
Classification: Uncertain significance for Charcot-Marie-Tooth disease axonal type 2P. Last evaluated: 2024-11-19. Review status: criteria provided, single submitter. Criteria: Invitae Variant Classification Sherloc (09022015). Collection method: clinical testing. Allele origin: germline.
Comment: This sequence change replaces arginine, which is basic and polar, with glutamine, which is neutral and polar, at codon 15 of the LRSAM1 protein (p.Arg15Gln). This variant is present in population databases (rs368646898, gnomAD 0.01%). This variant has not been reported in the literature in individuals affected with LRSAM1-related conditions. ClinVar contains an entry for this variant (Variation ID: 653481). Invitae Evidence Modeling of protein sequence and biophysical properties (such as structural, functional, and spatial information, amino acid conservation, physicochemical variation, residue mobility, and thermodynamic stability) indicates that this missense variant is not expected to disrupt LRSAM1 protein function with a negative predictive value of 80%. In summary, the available evidence is currently insufficient to determine the role of this variant in disease. Therefore, it has been classified as a Variant of Uncertain Significance.